The following is an entry in ClinVar:

ClinVar aggregate classification (germline): Uncertain significance (1 of 4 stars; one submission).

Submission:

GeneDx
Classification: Uncertain significance. Last evaluated: 2022-08-15. Review status: criteria provided, single submitter. Criteria: GeneDx Variant Classification Process June 2021. Collection method: clinical testing. Allele origin: germline. Affected: yes.
Comment: Not observed at significant frequency in large population cohorts (gnomAD); Missense variants in this gene are often considered pathogenic (HGMD); In silico analysis supports that this missense variant has a deleterious effect on protein structure/function; Has not been previously published as pathogenic or benign to our knowledge; This variant is associated with the following publications: (PMID: 29493581)

NM_004333.6(BRAF):c.1891A>T (p.Asn631Tyr)

Gene: BRAF (B-Raf proto-oncogene, serine/threonine kinase; minus strand). Cytogenetic location: 7q34.
Variant type: single nucleotide variant.
Coding change: c.1891A>T on transcript NM_004333.6 (MANE Select); coding-DNA position 1891, A replaced by T.
Protein change: p.Asn631Tyr; replaces asparagine 631 with tyrosine.
Molecular consequence: missense variant.
Genome position (GRCh38, 1-based): chr7:140,749,388, T>A on the plus strand (A>T on the coding strand, the complement: BRAF is on the minus strand). VCF-style: chr7-140749388-T-A. GRCh37 (hg19) VCF-style: chr7-140449188-T-A.
Other names: c.1891A>T, p.Asn631Tyr (NM_001354609.2, NM_001378468.1, NM_001378474.1); c.2011A>T, p.Asn671Tyr (NM_001374244.1, NM_001374258.1); c.1900A>T, p.Asn634Tyr (NM_001378467.1); c.1825A>T, p.Asn609Tyr (NM_001378469.1); c.1789A>T, p.Asn597Tyr (NM_001378470.1); c.1780A>T, p.Asn594Tyr (NM_001378471.1); c.1735A>T, p.Asn579Tyr (NM_001378472.1, NM_001378473.1); c.1627A>T, p.Asn543Tyr (NM_001378475.1); short protein forms N543Y, N579Y, N594Y, N597Y, N609Y, N631Y, N634Y, N671Y.
Identifiers: ClinVar variation 2430555 (VCV002430555.1), dbSNP rs2128994563, ClinGen allele CA369541174.